The following is an entry in ClinVar:

NM_031935.3(HMCN1):c.8423C>T (p.Thr2808Ile)

Gene: HMCN1 (hemicentin 1; plus strand). Cytogenetic location: 1q31.1.
Variant type: single nucleotide variant.
Coding change: c.8423C>T on transcript NM_031935.3 (MANE Select); coding-DNA position 8423, C replaced by T.
Protein change: p.Thr2808Ile; replaces threonine 2808 with isoleucine.
Molecular consequence: missense variant.
Genome position (GRCh38, 1-based): chr1:186,076,560, C>T. VCF-style: chr1-186076560-C-T. GRCh37 (hg19) VCF-style: chr1-186045692-C-T.
Other names: short protein forms T2808I.
Identifiers: ClinVar variation 1971279 (VCV001971279.7), dbSNP rs765194132, ClinGen allele CA1293108.
Genomic context (GRCh38, chr1:186,076,560, plus strand): 5'-ATGTGATCATCAACAATCCCATTTCTCTTTACTGTGAGACAAATGCTGCTCCCCCTCCTA[C>T]ACTGACATGGTACAAAGATGGCCACCCTCTGACCTCAAGTGATAAAGTATTGATTTTGCC-3'
Protein context (NP_114141.2, residues 2798-2818): YCETNAAPPP[Thr2808Ile]LTWYKDGHPL

ClinVar aggregate classification (germline): Uncertain significance. Review status: criteria provided, multiple submitters, no conflicts (2 of 4 stars). 2 submissions from 2 submitters: Uncertain significance (2). Last evaluated 2025-06-29.

Allele frequency attached by ClinVar (database versions not stated): ExAC 0.00001; gnomAD exomes 0.00001.
gnomAD v4.1: 5 of 1,613,754 alleles (0.00031%); highest among the groups gnomAD compares: Admixed American, 0.0067%; no homozygotes.

Submissions (2):

Labcorp Genetics (formerly Invitae), Labcorp
Classification: Uncertain significance. Last evaluated: 2025-06-29. Review status: criteria provided, single submitter. Criteria: Invitae Variant Classification Sherloc (09022015). Collection method: clinical testing. Allele origin: germline.
Comment: This sequence change replaces threonine, which is neutral and polar, with isoleucine, which is neutral and non-polar, at codon 2808 of the HMCN1 protein (p.Thr2808Ile). This variant is present in population databases (rs765194132, gnomAD 0.01%). This variant has not been reported in the literature in individuals affected with HMCN1-related conditions. ClinVar contains an entry for this variant (Variation ID: 1971279). An algorithm developed to predict the effect of missense changes on protein structure and function (PolyPhen-2) suggests that this variant is likely to be disruptive. In summary, the available evidence is currently insufficient to determine the role of this variant in disease. Therefore, it has been classified as a Variant of Uncertain Significance.

Dasa
Classification: Uncertain significance. Last evaluated: 2024-11-23. Review status: criteria provided, single submitter. Criteria: DASA Assertion Criteria. Collection method: clinical testing. Allele origin: germline.
Comment: NM_031935.3(HMCN1):c.8423C>T (p.Thr2808Ile) is a missense variant that results in the substitution of threonine with isoleucine. This variant is rare in population databases. Computational prediction algorithms are consistent with a benign effect. The currently available literature and clinical evidence are not sufficient to establish a definitive association between this variant and the reported condition. Therefore, this variant is classified as a variant of uncertain significance.